The following is an entry in ClinVar:

NM_001267550.2(TTN):c.52512C>G (p.Tyr17504Ter)

Genes: TTN (titin; minus strand), TTN-AS1 (TTN antisense RNA 1; plus strand), LOC126806425 (BRD4-independent group 4 enhancer GRCh37_chr2:179471933-179473132; plus strand). Cytogenetic location: 2q31.2.
Variant type: single nucleotide variant.
Coding change: c.52512C>G on transcript NM_001267550.2 (MANE Select); coding-DNA position 52512, C replaced by G.
Protein change: p.Tyr17504Ter; replaces tyrosine 17504 with a stop codon.
Molecular consequence: nonsense.
Genome position (GRCh38, 1-based): chr2:178,608,371, G>C on the plus strand (C>G on the coding strand, the complement: TTN is on the minus strand). VCF-style: chr2-178608371-G-C. GRCh37 (hg19) VCF-style: chr2-179473098-G-C.
Other names: c.47589C>G, p.Tyr15863Ter (NM_001256850.1); c.25317C>G, p.Tyr8439Ter (NM_003319.4); c.44808C>G, p.Tyr14936Ter (NM_133378.4); c.25692C>G, p.Tyr8564Ter (NM_133432.3); c.25893C>G, p.Tyr8631Ter (NM_133437.4); short protein forms Y17504*, Y15863*, Y8631*, Y14936*, Y8439*, Y8564*.
Identifiers: ClinVar variation 566989 (VCV000566989.9), dbSNP rs1559748120, ClinGen allele CA349573283.

ClinVar aggregate classification (germline): Likely pathogenic. Review status: criteria provided, multiple submitters, no conflicts (2 of 4 stars). 2 submissions from 2 submitters: Likely pathogenic (2). Last evaluated 2026-06-09.

Conditions:
Cardiovascular phenotype. Identifiers: MedGen CN230736.
Dilated cardiomyopathy 1G (CMD1G). Identifiers: Orphanet 154, MedGen C1858763, MONDO:0011400, OMIM 604145.
Autosomal recessive limb-girdle muscular dystrophy type 2J (LGMDR10). Also called: Limb-girdle muscular dystrophy, type 2J; MUSCULAR DYSTROPHY, LIMB-GIRDLE, AUTOSOMAL RECESSIVE 10. Identifiers: Orphanet 140922, MedGen C1837342, MONDO:0012127, OMIM 608807.

Submissions (2):

Ambry Genetics
Classification: Likely pathogenic for Cardiovascular phenotype. Last evaluated: 2026-06-09. Review status: criteria provided, single submitter. Criteria: Ambry Variant Classification Scheme 2023. Collection method: clinical testing. Allele origin: germline.
Comment: The p.Y8439* variant (also known as c.25317C>G), located in coding exon 102 of the TTN gene, results from a C to G substitution at nucleotide position 25317. This changes the amino acid from a tyrosine to a stop codon within coding exon 102. This exon is located in the A-band region of the N2-B isoform of the titin protein and is constitutively expressed in TTN transcripts (percent spliced in or PSI 100%). This variant is expected to result in loss of function by premature protein truncation or nonsense-mediated mRNA decay. While truncating variants in TTN are present in 1-3% of the general population, truncating variants in the A-band are the most common cause of dilated cardiomyopathy (Herman DS et al. N. Engl. J. Med., 2012 Feb;366:619-28; Roberts AM et al. Sci Transl Med, 2015 Jan;7:270ra6). TTN truncating variants encoded in constitutive exons (PSI >90%) have been found to be significantly associated with DCM regardless of their position in titin (Schafer S et al. Nat. Genet., 2017 01;49:46-53; Akhtar MM et al. Circ Heart Fail, 2020 Oct;13:e006832; Massier M et al. Clin Genet, 2025 Jan). This variant is considered to be rare based on population cohorts in the Genome Aggregation Database (gnomAD). Based on the majority of available evidence to date, this variant is likely to be pathogenic.

Labcorp Genetics (formerly Invitae), Labcorp
Classification: Likely pathogenic for Dilated cardiomyopathy 1G; Autosomal recessive limb-girdle muscular dystrophy type 2J. Last evaluated: 2022-07-27. Review status: criteria provided, single submitter. Criteria: Invitae Variant Classification Sherloc (09022015). Collection method: clinical testing. Allele origin: germline.
Comment: This sequence change creates a premature translational stop signal (p.Tyr17504*) in the TTN gene. While this is not anticipated to result in nonsense mediated decay, it is expected to create a truncated TTN protein. This variant is not present in population databases (gnomAD no frequency). This variant has not been reported in the literature in individuals affected with TTN-related conditions. ClinVar contains an entry for this variant (Variation ID: 566989). This variant is located in the A band of TTN (PMID: 25589632). Truncating variants in this region are significantly overrepresented in patients affected with dilated cardiomyopathy (PMID: 25589632). Truncating variants in this region have also been reported in individuals affected with autosomal recessive centronuclear myopathy (PMID: 23975875). In summary, the currently available evidence indicates that the variant is pathogenic, but additional data are needed to prove that conclusively. Therefore, this variant has been classified as Likely Pathogenic.

Literature cited by the submitters: PubMed 25589632 (cited by Labcorp Genetics (formerly Invitae), Labcorp); PubMed 23975875 (cited by Labcorp Genetics (formerly Invitae), Labcorp).